The following is an entry in ClinVar:

ClinVar aggregate classification (germline): Conflicting classifications of pathogenicity. Review status: criteria provided, conflicting classifications (1 of 4 stars). 4 submissions from 2 submitters: Uncertain significance (2); Benign (1); Likely benign (1). Last evaluated 2018-01-13.

Conditions:
Maturity-onset diabetes of the young type 13. Also called: MODY, TYPE 13. Identifiers: Orphanet 552, MedGen C4225365, MONDO:0014589, OMIM 616329.
Maturity-onset diabetes of the young (MODY). Also called: Maturity onset diabetes mellitus in young. Identifiers: Orphanet 552, MedGen C0342276, MONDO:0018911, HP:0004904.
Diabetes mellitus, transient neonatal, 3 (TNDM3). Identifiers: Orphanet 99886, MedGen C1864623, MONDO:0012522, OMIM 610582. Disease mechanism: loss of function.
Hyperinsulinemic hypoglycemia, familial, 2. Also called: HYPERINSULINEMIC HYPOGLYCEMIA, PERSISTENT; HYPERINSULINISM, NEONATAL. Identifiers: Orphanet 276580, Orphanet 276603, MedGen C2931833, MONDO:0011153, OMIM 601820. Disease mechanism: loss of function.

Allele frequency attached by ClinVar (database versions not stated): gnomAD 0.00002; ExAC 0.00004; TOPMed 0.00004; gnomAD exomes 0.00008.
gnomAD v4.1: 60 of 1,566,332 alleles (0.0038%); highest among the groups gnomAD compares: East Asian, 0.025%; no homozygotes.

Submissions (4):

Illumina Laboratory Services, Illumina
Classification: Benign for Diabetes mellitus, transient neonatal, 3. Last evaluated: 2018-01-13. Review status: criteria provided, single submitter. Criteria: ICSL Variant Classification Criteria 13 December 2019. Collection method: clinical testing. Allele origin: germline.
Comment: This variant was observed in the ICSL laboratory as part of a predisposition screen in an ostensibly healthy population. It had not been previously curated by ICSL or reported in the Human Gene Mutation Database (HGMD: prior to June 1st, 2018), and was therefore a candidate for classification through an automated scoring system. Utilizing variant allele frequency, disease prevalence and penetrance estimates, and inheritance mode, an automated score was calculated to assess if this variant is too frequent to cause the disease. Based on the score and internal cut-off values, a variant classified as benign is not then subjected to further curation. The score for this variant resulted in a classification of benign for this disease.

Illumina Laboratory Services, Illumina
Classification: Likely benign for Maturity-onset diabetes of the young type 13. Last evaluated: 2018-01-13. Review status: criteria provided, single submitter. Criteria: ICSL Variant Classification Criteria 13 December 2019. Collection method: clinical testing. Allele origin: germline.
Comment: This variant was observed in the ICSL laboratory as part of a predisposition screen in an ostensibly healthy population. It had not been previously curated by ICSL or reported in the Human Gene Mutation Database (HGMD: prior to June 1st, 2018), and was therefore a candidate for classification through an automated scoring system. Utilizing variant allele frequency, disease prevalence and penetrance estimates, and inheritance mode, an automated score was calculated to assess if this variant is too frequent to cause the disease. Based on the score and internal cut-off values, a variant classified as likely benign is not then subjected to further curation. The score for this variant resulted in a classification of likely benign for this disease.

Illumina Laboratory Services, Illumina
Classification: Uncertain significance for Hyperinsulinemic hypoglycemia, familial, 2. Last evaluated: 2018-01-13. Review status: criteria provided, single submitter. Criteria: ICSL Variant Classification Criteria 13 December 2019. Collection method: clinical testing. Allele origin: germline.

Clinical Genomics, Uppaluri K&H Personalized Medicine Clinic
Classification: Uncertain significance for Maturity-onset diabetes of the young. Review status: criteria provided, single submitter. Criteria: K & H Uppaluri Personalized Medicine Clinic Variant Classification & Assertion Criteria_Updated V.1. Collection method: research. Allele origin: somatic. Inheritance: Autosomal dominant inheritance.
Comment: Mutations in KCNJ11 gene can cause decreased production and secretion of insulin. This can lead to MODY which may be responsive to oral sulfonylureas. It is also associated with Neonatal Diabetes. However, no sufficient evidence is found to ascertain role of this particular variant (rs746850899) in MODY yet.

Literature cited by the submitters: PubMed 26448950 (cited by Clinical Genomics, Uppaluri K&H Personalized Medicine Clinic); PubMed 15580558 (cited by Clinical Genomics, Uppaluri K&H Personalized Medicine Clinic); PubMed 15718250 (cited by Clinical Genomics, Uppaluri K&H Personalized Medicine Clinic); PubMed 32935446 (cited by Clinical Genomics, Uppaluri K&H Personalized Medicine Clinic); PubMed 22701567 (cited by Clinical Genomics, Uppaluri K&H Personalized Medicine Clinic).

NM_000525.4(KCNJ11):c.*40C>T

Gene: KCNJ11 (potassium inwardly rectifying channel subfamily J member 11; minus strand). Cytogenetic location: 11p15.1.
Variant type: single nucleotide variant.
Coding change: c.*40C>T on transcript NM_000525.4 (MANE Select); 40 bases downstream of the stop codon, C replaced by T.
Molecular consequence: 3 prime UTR variant.
Genome position (GRCh38, 1-based): chr11:17,386,879, G>A on the plus strand (C>T on the coding strand, the complement: KCNJ11 is on the minus strand). VCF-style: chr11-17386879-G-A. GRCh37 (hg19) VCF-style: chr11-17408426-G-A.
Other names: c.*40C>T (NM_001166290.2, NM_001377296.1, NM_001377297.1).
Identifiers: ClinVar variation 303733 (VCV000303733.6), dbSNP rs746850899, ClinGen allele CA5902153.